The following is an entry in ClinVar:

NM_001304359.2(MUC5AC):c.14274C>A (p.Ala4758=)

Gene: MUC5AC (mucin 5AC, oligomeric mucus/gel-forming; plus strand). Cytogenetic location: 11p15.5.
Variant type: single nucleotide variant.
Coding change: c.14274C>A on transcript NM_001304359.2 (MANE Select); coding-DNA position 14274, C replaced by A.
Protein change: p.Ala4758=; no amino-acid change (alanine 4758 retained).
Molecular consequence: synonymous variant.
Genome position (GRCh38, 1-based): chr11:1,192,419, C>A. VCF-style: chr11-1192419-C-A. GRCh37 (hg19) VCF-style: chr11-1213644-C-A.
Identifiers: ClinVar variation 2641175 (VCV002641175.24), dbSNP rs149860127, ClinGen allele CA5802720.

ClinVar aggregate classification (germline): Likely benign (1 of 4 stars; one submission).

Allele frequency attached by ClinVar (database versions not stated): 1000 Genomes Project 0.00339; ESP Exome Variant Server 0.00384; gnomAD 0.00438; TOPMed 0.00493; ExAC 0.00508.
gnomAD v4.1: 4,300 of 765,168 alleles (0.56%); highest among the groups gnomAD compares: Middle Eastern, 1.5%; 31 homozygotes.

Submission:

CeGaT Center for Human Genetics Tuebingen
Classification: Likely benign. Last evaluated: 2026-04-01. Review status: criteria provided, single submitter. Criteria: CeGaT Center For Human Genetics Tuebingen Variant Classification Criteria Version 2. Collection method: clinical testing. Allele origin: germline. Affected: yes. Observed: 2 variant alleles.
Comment: MUC5AC: BP4, BP7, BS2